The following is an entry in ClinVar:

ClinVar aggregate classification (germline): Uncertain significance (1 of 4 stars; one submission).

Allele frequency attached by ClinVar (database versions not stated): ExAC 0.00002.
gnomAD v4.1: 6 of 1,614,140 alleles (0.00037%); highest among the groups gnomAD compares: East Asian, 0.013%; no homozygotes.

Submission:

Women's Health and Genetics/Laboratory Corporation of America, LabCorp
Classification: Uncertain significance. Last evaluated: 2024-04-16. Review status: criteria provided, single submitter. Criteria: LabCorp Variant Classification Summary - May 2015. Collection method: clinical testing. Allele origin: germline.
Comment: Variant summary: FOXI1 c.565G>A (p.Asp189Asn) results in a conservative amino acid change located in the fork head domain (IPR001766) of the encoded protein sequence. Three of five in-silico tools predict a damaging effect of the variant on protein function. The variant allele was found at a frequency of 3.2e-05 in 250722 control chromosomes. The available data on variant occurrences in the general population are insufficient to allow any conclusion about variant significance. c.565G>A has been reported in the literature in individuals affected with deafness (e.g., Lin_2019). However, these report(s) do not provide unequivocal conclusions about association of the variant with FOXI1-related conditions. To our knowledge, no experimental evidence demonstrating an impact on protein function has been reported. The following publication have been ascertained in the context of this evaluation (PMID: 30268946). No submitters have cited clinical-significance assessments for this variant to ClinVar. Based on the evidence outlined above, the variant was classified as uncertain significance.

Literature cited by the submitters: PubMed 30268946.

NM_012188.5(FOXI1):c.565G>A (p.Asp189Asn)

Gene: FOXI1 (forkhead box I1; plus strand). Cytogenetic location: 5q35.1.
Variant type: single nucleotide variant.
Coding change: c.565G>A on transcript NM_012188.5 (MANE Select); coding-DNA position 565, G replaced by A.
Protein change: p.Asp189Asn; replaces aspartic acid 189 with asparagine.
Molecular consequence: missense variant.
Genome position (GRCh38, 1-based): chr5:170,106,522, G>A. VCF-style: chr5-170106522-G-A. GRCh37 (hg19) VCF-style: chr5-169533526-G-A.
Other names: c.565G>A, p.Asp189Asn (NM_144769.4); short protein forms D189N.
Identifiers: ClinVar variation 3251929 (VCV003251929.1), dbSNP rs759583461.